The following is an entry in ClinVar:

NM_020921.4(NIN):c.2238G>C (p.Gln746His)

Gene: NIN (ninein; minus strand). Cytogenetic location: 14q22.1.
Variant type: single nucleotide variant.
Coding change: c.2238G>C on transcript NM_020921.4 (MANE Select); coding-DNA position 2238, G replaced by C.
Protein change: p.Gln746His; replaces glutamine 746 with histidine.
Molecular consequence: missense variant.
Genome position (GRCh38, 1-based): chr14:50,760,018, C>G on the plus strand (G>C on the coding strand, the complement: NIN is on the minus strand). VCF-style: chr14-50760018-C-G. GRCh37 (hg19) VCF-style: chr14-51226736-C-G.
Other names: c.2238G>C (NM_020921.3); c.2238G>C, p.Gln746His (NM_016350.5, NM_182944.3, NM_182946.2); short protein forms Q746H.
Identifiers: ClinVar variation 2354226 (VCV002354226.9), dbSNP rs533053651, ClinGen allele CA7181981.
Genomic context (GRCh38, chr14:50,760,018, plus strand): 5'-GTGAAACTGCTCTAGTTCCTGAGTCAAGCCTCTCACCTTCTCTTCTGTCCAGGCGCTACT[C>G]TGAAGGCCTTCCCTCTCCCGCTCAAAGCTTGCTTGAGCCTGTGTCAGTCTAGCCTTGAGC-3'
Protein context (NP_065972.4, residues 736-756): ASFEREREGL[Gln746His]SSAWTEEKVR

ClinVar aggregate classification (germline): Uncertain significance. Review status: criteria provided, multiple submitters, no conflicts (2 of 4 stars). 2 submissions from 2 submitters: Uncertain significance (2). Last evaluated 2025-10-22.

Allele frequency attached by ClinVar (database versions not stated): gnomAD exomes 0.00016; ExAC 0.00006; gnomAD 0.00009; TOPMed 0.00009.
gnomAD v4.1: 240 of 1,614,122 alleles (0.015%); highest among the groups gnomAD compares: Non-Finnish European, 0.019%; no homozygotes.

Submissions (2):

Ambry Genetics
Classification: Uncertain significance. Last evaluated: 2025-10-22. Review status: criteria provided, single submitter. Criteria: Ambry Variant Classification Scheme 2023. Collection method: clinical testing. Allele origin: germline.

Labcorp Genetics (formerly Invitae), Labcorp
Classification: Uncertain significance. Last evaluated: 2025-06-23. Review status: criteria provided, single submitter. Criteria: Invitae Variant Classification Sherloc (09022015). Collection method: clinical testing. Allele origin: germline.
Comment: This sequence change replaces glutamine, which is neutral and polar, with histidine, which is basic and polar, at codon 746 of the NIN protein (p.Gln746His). This variant is present in population databases (rs533053651, gnomAD 0.01%). This variant has not been reported in the literature in individuals affected with NIN-related conditions. ClinVar contains an entry for this variant (Variation ID: 2354226). An algorithm developed to predict the effect of missense changes on protein structure and function outputs the following: PolyPhen-2: "Benign". The histidine amino acid residue is found in multiple mammalian species, which suggests that this missense change does not adversely affect protein function. In summary, the available evidence is currently insufficient to determine the role of this variant in disease. Therefore, it has been classified as a Variant of Uncertain Significance.